The following is an entry in ClinVar:

NC_000015.10:g.26939253C>T

Genes: GABRA5 (gamma-aminobutyric acid type A receptor subunit alpha5; plus strand), GABRB3 (gamma-aminobutyric acid type A receptor subunit beta3; minus strand). Cytogenetic location: 15q12.
Variant type: single nucleotide variant.
Molecular consequence: intron variant (on NM_000810.4).
Genome position: GRCh38 VCF-style: chr15-26939253-C-T. GRCh37 (hg19) VCF-style: chr15-27184400-C-T.
Other names: c.725-672C>T (NM_001165037.2, NM_000810.4).
Identifiers: ClinVar variation 2645027 (VCV002645027.24), dbSNP rs768585073, ClinGen allele CA7437910.
Genomic context (GRCh38, chr15:26,939,253, plus strand): 5'-GGCCTCACACTCCCTGACCACAGCTCCCGACCTCAGCTCCTTACCAGTTCACCGTGAGGA[C>T]GGCATCATTCTCAGCAATGAATGGGAGGTCTCCTCGTGCCTCCCACACAGCCAGGCAAAT-3'

ClinVar aggregate classification (germline): Uncertain significance (1 of 4 stars; one submission).

Allele frequency attached by ClinVar (database versions not stated): gnomAD exomes 0.00003; TOPMed 0.00003; gnomAD 0.00005; ExAC 0.00007.
gnomAD v4.1: 28 of 765,214 alleles (0.0037%); highest among the groups gnomAD compares: South Asian, 0.0054%; no homozygotes.

Submission:

CeGaT Center for Human Genetics Tuebingen
Classification: Uncertain significance. Last evaluated: 2022-03-01. Review status: criteria provided, single submitter. Criteria: CeGaT Center For Human Genetics Tuebingen Variant Classification Criteria Version 2. Collection method: clinical testing. Allele origin: germline. Affected: yes. Observed: 1 variant allele.
Comment: GABRB3: PP2, BP4